The following is an entry in ClinVar:

ClinVar aggregate classification (germline): Uncertain significance. Review status: criteria provided, multiple submitters, no conflicts (2 of 4 stars). 3 submissions from 3 submitters: Uncertain significance (3). Last evaluated 2024-03-15.

Conditions:
Inborn genetic diseases. Identifiers: MedGen C0950123, MeSH D030342.
Developmental and epileptic encephalopathy, 37 (DEE37). Also called: Epileptic encephalopathy, early infantile, 37. Identifiers: MedGen C4310770, MONDO:0014859, OMIM 616981.

Allele frequency attached by ClinVar (database versions not stated): gnomAD exomes below 0.00001 and 0.00001; ExAC 0.00001; gnomAD 0.00001; TOPMed 0.00001.
gnomAD v4.1: 6 of 1,614,008 alleles (0.00037%); highest among the groups gnomAD compares: Admixed American, 0.0067%; no homozygotes.

Submissions (3):

Ambry Genetics
Classification: Uncertain significance for Inborn genetic diseases. Last evaluated: 2024-03-15. Review status: criteria provided, single submitter. Criteria: Ambry Variant Classification Scheme 2023. Collection method: clinical testing. Allele origin: germline.

Baylor Genetics
Classification: Uncertain significance for Developmental and epileptic encephalopathy, 37. Last evaluated: 2024-01-04. Review status: criteria provided, single submitter. Criteria: ACMG Guidelines, 2015. Collection method: clinical testing. Allele origin: unknown.

Labcorp Genetics (formerly Invitae), Labcorp
Classification: Uncertain significance for Developmental and epileptic encephalopathy, 37. Last evaluated: 2022-10-24. Review status: criteria provided, single submitter. Criteria: Invitae Variant Classification Sherloc (09022015). Collection method: clinical testing. Allele origin: germline.
Comment: This sequence change replaces alanine, which is neutral and non-polar, with threonine, which is neutral and polar, at codon 233 of the FRRS1L protein (p.Ala233Thr). This variant is present in population databases (rs776628840, gnomAD 0.009%). This variant has not been reported in the literature in individuals affected with FRRS1L-related conditions. ClinVar contains an entry for this variant (Variation ID: 542867). Algorithms developed to predict the effect of missense changes on protein structure and function are either unavailable or do not agree on the potential impact of this missense change (SIFT: "Deleterious"; PolyPhen-2: "Possibly Damaging"; Align-GVGD: "Class C0"). In summary, the available evidence is currently insufficient to determine the role of this variant in disease. Therefore, it has been classified as a Variant of Uncertain Significance.

NM_014334.4(FRRS1L):c.544G>A (p.Ala182Thr)

Gene: FRRS1L (ferric chelate reductase 1 like; minus strand). Cytogenetic location: 9q31.3.
Variant type: single nucleotide variant.
Coding change: c.544G>A on transcript NM_014334.4 (MANE Select); coding-DNA position 544, G replaced by A.
Protein change: p.Ala182Thr; replaces alanine 182 with threonine.
Molecular consequence: missense variant.
Genome position (GRCh38, 1-based): chr9:109,141,508, C>T on the plus strand (G>A on the coding strand, the complement: FRRS1L is on the minus strand). VCF-style: chr9-109141508-C-T. GRCh37 (hg19) VCF-style: chr9-111903788-C-T.
Other names: short protein forms A182T.
Identifiers: ClinVar variation 542867 (VCV000542867.9), dbSNP rs776628840, ClinGen allele CA5177378.